The following is an entry in ClinVar:

NM_002204.4(ITGA3):c.2331G>A (p.Gly777=)

Gene: ITGA3 (integrin subunit alpha 3; plus strand). Cytogenetic location: 17q21.33.
Variant type: single nucleotide variant.
Coding change: c.2331G>A on transcript NM_002204.4 (MANE Select); coding-DNA position 2331, G replaced by A.
Protein change: p.Gly777=; no amino-acid change (glycine 777 retained).
Molecular consequence: synonymous variant.
Genome position (GRCh38, 1-based): chr17:50,078,857, G>A. VCF-style: chr17-50078857-G-A. GRCh37 (hg19) VCF-style: chr17-48156221-G-A.
Other names: c.2331G>A (NM_002204.3).
Identifiers: ClinVar variation 3703390 (VCV003703390.4).

ClinVar aggregate classification (germline): Benign/Likely benign. Review status: criteria provided, multiple submitters, no conflicts (2 of 4 stars). 3 submissions from 3 submitters: Benign (1); Likely benign (2). Last evaluated 2025-09-16.

Conditions:
ITGA3-related disorder. Also called: ITGA3-related condition.

gnomAD v4.1: 116 of 1,613,342 alleles (0.0072%); highest among the groups gnomAD compares: South Asian, 0.1%; 1 homozygote.

Submissions (3):

Labcorp Genetics (formerly Invitae), Labcorp
Classification: Benign. Last evaluated: 2025-09-16. Review status: criteria provided, single submitter. Criteria: Invitae Variant Classification Sherloc (09022015). Collection method: clinical testing. Allele origin: germline.

PreventionGenetics, part of Exact Sciences
Classification: Likely benign for ITGA3-related condition. Last evaluated: 2025-08-22. Review status: criteria provided, single submitter. Criteria: ACMG Guidelines, 2015. Collection method: clinical testing. Allele origin: germline.
Comment: This variant is classified as likely benign based on ACMG/AMP sequence variant interpretation guidelines (Richards et al. 2015 PMID: 25741868, with internal and published modifications).

Blueprint Genetics
Classification: Likely benign. Last evaluated: 2024-10-04. Review status: criteria provided, single submitter. Criteria: ACMG Guidelines, 2015. Collection method: clinical testing. Allele origin: germline.